The following is an entry in ClinVar:

ClinVar aggregate classification (germline): Uncertain significance. Review status: criteria provided, multiple submitters, no conflicts (2 of 4 stars). 2 submissions from 2 submitters: Uncertain significance (2). Last evaluated 2025-12-18.

Conditions:
Intellectual developmental disorder, autosomal dominant 1. Also called: Intellectual disability, autosomal dominant 1; MBD5 Haploinsufficiency. Identifiers: Orphanet 228402, MedGen C1969562, MONDO:0007974, OMIM 156200.

Allele frequency attached by ClinVar (database versions not stated): gnomAD exomes below 0.00001.
gnomAD v4.1: 2 of 1,614,034 alleles (0.00012%); highest among the groups gnomAD compares: Non-Finnish European, 0.000085%; no homozygotes.

Submissions (2):

Labcorp Genetics (formerly Invitae), Labcorp
Classification: Uncertain significance for Intellectual developmental disorder, autosomal dominant 1. Last evaluated: 2025-12-18. Review status: criteria provided, single submitter. Criteria: Invitae Variant Classification Sherloc (09022015). Collection method: clinical testing. Allele origin: germline.
Comment: This sequence change replaces serine, which is neutral and polar, with glycine, which is neutral and non-polar, at codon 405 of the MBD5 protein (p.Ser405Gly). This variant is present in population databases (no rsID available, gnomAD no frequency). This variant has not been reported in the literature in individuals affected with MBD5-related conditions. ClinVar contains an entry for this variant (Variation ID: 1389049). Invitae Evidence Modeling of protein sequence and biophysical properties (such as structural, functional, and spatial information, amino acid conservation, physicochemical variation, residue mobility, and thermodynamic stability) has been performed for this missense variant. However, the output from this modeling did not meet the statistical confidence thresholds required to predict the impact of this variant on MBD5 protein function. In summary, the available evidence is currently insufficient to determine the role of this variant in disease. Therefore, it has been classified as a Variant of Uncertain Significance.

GeneDx
Classification: Uncertain significance. Last evaluated: 2023-05-15. Review status: criteria provided, single submitter. Criteria: GeneDx Variant Classification Process June 2021. Collection method: clinical testing. Allele origin: germline. Affected: yes.
Comment: Not observed at significant frequency in large population cohorts (gnomAD); In silico analysis supports that this missense variant does not alter protein structure/function; Has not been previously published as pathogenic or benign to our knowledge

NM_001378120.1(MBD5):c.1213A>G (p.Ser405Gly)

Gene: MBD5 (methyl-CpG binding domain protein 5; plus strand). Cytogenetic location: 2q23.1.
Variant type: single nucleotide variant.
Coding change: c.1213A>G on transcript NM_001378120.1 (MANE Select); coding-DNA position 1213, A replaced by G.
Protein change: p.Ser405Gly; replaces serine 405 with glycine.
Molecular consequence: missense variant.
Genome position (GRCh38, 1-based): chr2:148,469,156, A>G. VCF-style: chr2-148469156-A-G. GRCh37 (hg19) VCF-style: chr2-149226725-A-G.
Other names: c.1213A>G, p.Ser405Gly (NM_018328.5); c.1213A>G (NM_018328.4); short protein forms S405G.
Identifiers: ClinVar variation 1389049 (VCV001389049.7), dbSNP rs1311216238, ClinGen allele CA348719209.